The following is an entry in ClinVar:

ClinVar aggregate classification (germline): Uncertain significance (1 of 4 stars; one submission).

Allele frequency attached by ClinVar (database versions not stated): TOPMed below 0.00001; gnomAD 0.00001; gnomAD exomes 0.00001; ExAC 0.00002.

Submission:

Labcorp Genetics (formerly Invitae), Labcorp
Classification: Uncertain significance. Last evaluated: 2024-05-06. Review status: criteria provided, single submitter. Criteria: Invitae Variant Classification Sherloc (09022015). Collection method: clinical testing. Allele origin: germline.
Comment: This sequence change replaces arginine, which is basic and polar, with glutamine, which is neutral and polar, at codon 2768 of the SRCAP protein (p.Arg2768Gln). The frequency data for this variant in the population databases is considered unreliable, as metrics indicate poor data quality at this position in the gnomAD database. This variant has not been reported in the literature in individuals affected with SRCAP-related conditions. Advanced modeling of protein sequence and biophysical properties (such as structural, functional, and spatial information, amino acid conservation, physicochemical variation, residue mobility, and thermodynamic stability) performed at Invitae indicates that this missense variant is not expected to disrupt SRCAP protein function with a negative predictive value of 80%. In summary, the available evidence is currently insufficient to determine the role of this variant in disease. Therefore, it has been classified as a Variant of Uncertain Significance.

NM_006662.3(SRCAP):c.8303G>A (p.Arg2768Gln)

Gene: SRCAP (Snf2 related CREBBP activator protein; plus strand). Cytogenetic location: 16p11.2.
Variant type: single nucleotide variant.
Coding change: c.8303G>A on transcript NM_006662.3 (MANE Select); coding-DNA position 8303, G replaced by A.
Protein change: p.Arg2768Gln; replaces arginine 2768 with glutamine.
Molecular consequence: missense variant.
Genome position (GRCh38, 1-based): chr16:30,738,343, G>A. VCF-style: chr16-30738343-G-A. GRCh37 (hg19) VCF-style: chr16-30749664-G-A.
Other names: short protein forms R2768Q.
Identifiers: ClinVar variation 2871718 (VCV002871718.3), dbSNP rs748197121, ClinGen allele CA8012657.
Genomic context (GRCh38, chr16:30,738,343, plus strand): 5'-GAAAGCTGCCAGGACGGCTGGTAACTGTGGTAGAGGAAAAGGAACTGGTGCGGCGGCGGC[G>A]GCAGCAGCGGGGAGCTGCCAGCACCCTAGTGCCTGGGGTCTCTGAGACTAGTGCCAGCCC-3'
Protein context (NP_006653.2, residues 2758-2778): VEEKELVRRR[Arg2768Gln]QQRGAASTLV